The following is an entry in ClinVar:

NM_001042492.3(NF1):c.5045_5050del (p.Cys1682_Asn1683del)

Gene: NF1 (neurofibromin 1; plus strand). Cytogenetic location: 17q11.2.
Variant type: Deletion.
Coding change: c.5045_5050del on transcript NM_001042492.3 (MANE Select); coding-DNA positions 5045 to 5050, 6 bases deleted (GTAACT; older notation c.5045_5050delGTAACT).
Protein change: p.Cys1682_Asn1683del.
Molecular consequence: inframe deletion. On other transcripts: inframe indel (1).
Genome position (GRCh38, 1-based): chr17:31,326,029-31,326,034, GTAACT deleted; deleting any 6 consecutive bases within chr17:31,326,024-31,326,034 gives the same sequence; the c. name uses the placement nearest the transcript's 3' end. VCF-style (leftmost placement, unchanged base first): chr17-31326023-ATAACTG-A. GRCh37 (hg19) VCF-style: chr17-29653041-ATAACTG-A.
Other names: c.4982_4987delGTAACT (NM_000267.3); c.4982_4987delGTAACT, p.Cys1661_Asn1662del (NM_000267.4).
Identifiers: ClinVar variation 4020947 (VCV004020947.1).
Genomic context (GRCh38, chr17:31,326,023, plus strand): 5'-CTAAGTGGTTTGTTGTTTTTCCTGGCTTTGCTTACGACAACGTCTCCGCAGTCTATATCT[ATAACTG>A]TAACTCCTGGGTCAGGGAGTACACCAAGTATCATGAGCGGCTGCTGACTGGCCTCAAAGG-3'

ClinVar aggregate classification (germline): Uncertain significance (1 of 4 stars; one submission).

Conditions:
Cardiovascular phenotype. Identifiers: MedGen CN230736.
Hereditary cancer-predisposing syndrome. Also called: Tumor predisposition; Hereditary neoplastic syndrome; Neoplastic Syndromes, Hereditary; Hereditary Cancer Syndrome. Identifiers: Orphanet 140162, MedGen C0027672, MeSH D009386, MONDO:0015356.

Submission:

Ambry Genetics
Classification: Uncertain significance for Cardiovascular phenotype; Hereditary cancer-predisposing syndrome. Last evaluated: 2025-04-30. Review status: criteria provided, single submitter. Criteria: Ambry Variant Classification Scheme 2023. Collection method: clinical testing. Allele origin: germline.
Comment: The c.4982_4987delGTAACT variant (also known as p.C1661_N1662del) is located in coding exon 36 of the NF1 gene. This variant results from an in-frame GTAACT deletion at nucleotide positions 4982 to 4987. This results in the in-frame deletion of a at codon 1661. This amino acid region is highly conserved in available vertebrate species. In addition, this alteration is predicted to be deleterious by in silico analysis (Choi Y et al. PLoS ONE. 2012; 7(10):e46688). Based on the available evidence, the clinical significance of this variant remains unclear.